The following is an entry in ClinVar:

ClinVar aggregate classification (germline): Uncertain significance (1 of 4 stars; one submission).

Submission:

Ambry Genetics
Classification: Uncertain significance. Last evaluated: 2024-05-18. Review status: criteria provided, single submitter. Criteria: Ambry Variant Classification Scheme 2023. Collection method: clinical testing. Allele origin: germline.
Comment: The p.C1951G variant (also known as c.5851T>G), located in coding exon 18 of the POLQ gene, results from a T to G substitution at nucleotide position 5851. The cysteine at codon 1951 is replaced by glycine, an amino acid with highly dissimilar properties. This amino acid position is conserved. In addition, this alteration is predicted to be tolerated by in silico analysis. Based on the available evidence, the clinical significance of this variant remains unclear.

NM_199420.4(POLQ):c.5851T>G (p.Cys1951Gly)

Gene: POLQ (DNA polymerase theta; minus strand). Cytogenetic location: 3q13.33.
Variant type: single nucleotide variant.
Coding change: c.5851T>G on transcript NM_199420.4 (MANE Select); coding-DNA position 5851, T replaced by G.
Protein change: p.Cys1951Gly; replaces cysteine 1951 with glycine.
Molecular consequence: missense variant.
Genome position (GRCh38, 1-based): chr3:121,483,505, A>C on the plus strand (T>G on the coding strand, the complement: POLQ is on the minus strand). VCF-style: chr3-121483505-A-C. GRCh37 (hg19) VCF-style: chr3-121202352-A-C.
Other names: short protein forms C1951G.
Identifiers: ClinVar variation 3308689 (VCV003308689.1).